The following is an entry in ClinVar:

NM_000041.4(APOE):c.882G>T (p.Trp294Cys)

Gene: APOE (apolipoprotein E; plus strand). Cytogenetic location: 19q13.32.
Variant type: single nucleotide variant.
Coding change: c.882G>T on transcript NM_000041.4 (MANE Select); coding-DNA position 882, G replaced by T.
Protein change: p.Trp294Cys; replaces tryptophan 294 with cysteine.
Molecular consequence: missense variant.
Genome position (GRCh38, 1-based): chr19:44,909,178, G>T. VCF-style: chr19-44909178-G-T. GRCh37 (hg19) VCF-style: chr19-45412435-G-T.
Other names: c.960G>T, p.Trp320Cys (NM_001302688.2); c.882G>T, p.Trp294Cys (NM_001302689.2, NM_001302690.2, NM_001302691.2); c.882G>T (NM_000041.3); short protein forms W294C, W320C.
Identifiers: ClinVar variation 1764810 (VCV001764810.5), dbSNP rs557715042, ClinGen allele CA9506112.
Genomic context (GRCh38, chr19:44,909,178, plus strand): 5'-CTTCCAGGCCCGCCTCAAGAGCTGGTTCGAGCCCCTGGTGGAAGACATGCAGCGCCAGTG[G>T]GCCGGGCTGGTGGAGAAGGTGCAGGCTGCCGTGGGCACCAGCGCCGCCCCTGTGCCCAGC-3'
Protein context (NP_000032.1, residues 284-304): EPLVEDMQRQ[Trp294Cys]AGLVEKVQAA

ClinVar aggregate classification (germline): Uncertain significance. Review status: criteria provided, multiple submitters, no conflicts (2 of 4 stars). 3 submissions from 3 submitters: Uncertain significance (3). Last evaluated 2025-04-12.

Conditions:
Cardiovascular phenotype. Identifiers: MedGen CN230736.
Familial type 3 hyperlipoproteinemia. Also called: Hyperlipoproteinemia type 3; Hyperlipoproteinemia type III; Dysbetalipoproteinemia; Familial dysbetalipoproteinemia; Broad beta disease; Remnant removal disease. Identifiers: Orphanet 412, MedGen C0020479, MONDO:0018473, OMIM 617347.

Allele frequency attached by ClinVar (database versions not stated): 1000 Genomes Project 30x 0.00047; ExAC 0.00003; 1000 Genomes Project 0.00060; gnomAD exomes 0.00001; gnomAD 0.00009; TOPMed 0.00025.
gnomAD v4.1: 29 of 1,599,752 alleles (0.0018%); highest among the groups gnomAD compares: Admixed American, 0.038%; no homozygotes.

Submissions (3):

Ambry Genetics
Classification: Uncertain significance for Cardiovascular phenotype. Last evaluated: 2025-04-12. Review status: criteria provided, single submitter. Criteria: Ambry Variant Classification Scheme 2023. Collection method: clinical testing. Allele origin: germline.
Comment: The p.W294C variant (also known as c.882G>T), located in coding exon 3 of the APOE gene, results from a G to T substitution at nucleotide position 882. The tryptophan at codon 294 is replaced by cysteine, an amino acid with highly dissimilar properties. This amino acid position is highly conserved in available vertebrate species. In addition, the in silico prediction for this alteration is inconclusive. Since supporting evidence is limited at this time, the clinical significance of this alteration remains unclear.

GeneDx
Classification: Uncertain significance. Last evaluated: 2023-05-19. Review status: criteria provided, single submitter. Criteria: GeneDx Variant Classification Process June 2021. Collection method: clinical testing. Allele origin: germline. Affected: yes.
Comment: In silico analysis supports that this missense variant has a deleterious effect on protein structure/function; Has not been previously published as pathogenic or benign to our knowledge

Laboratorio de Genetica e Diagnostico Molecular, Hospital Israelita Albert Einstein
Classification: Uncertain significance for Familial type 3 hyperlipoproteinemia. Last evaluated: 2022-10-19. Review status: criteria provided, single submitter. Criteria: ACMG Guidelines, 2015. Collection method: clinical testing. Allele origin: germline. Affected: yes. Observed: 1 variant allele.
Comment: ACMG classification criteria: PM2 supporting

Literature cited by the submitters: PubMed 28559539 (cited by Ambry Genetics).